The following is an entry in ClinVar:

NM_001037.5(SCN1B):c.530A>G (p.Glu177Gly)

Gene: SCN1B (sodium voltage-gated channel beta subunit 1; plus strand). Cytogenetic location: 19q13.11.
Variant type: single nucleotide variant.
Coding change: c.530A>G on transcript NM_001037.5 (MANE Select); coding-DNA position 530, A replaced by G.
Protein change: p.Glu177Gly; replaces glutamic acid 177 with glycine.
Molecular consequence: missense variant.
Genome position (GRCh38, 1-based): chr19:35,039,198, A>G. VCF-style: chr19-35039198-A-G. GRCh37 (hg19) VCF-style: chr19-35530102-A-G.
Other names: c.431A>G, p.Glu144Gly (NM_001321605.2); short protein forms E177G, E144G.
Identifiers: ClinVar variation 3793181 (VCV003793181.1).

ClinVar aggregate classification (germline): Uncertain significance (1 of 4 stars; one submission).

Conditions:
Cardiovascular phenotype. Identifiers: MedGen CN230736.

Submission:

Ambry Genetics
Classification: Uncertain significance for Cardiovascular phenotype. Last evaluated: 2025-01-19. Review status: criteria provided, single submitter. Criteria: Ambry Variant Classification Scheme 2023. Collection method: clinical testing. Allele origin: germline.
Comment: The p.E177G variant (also known as c.530A>G), located in coding exon 4 of the SCN1B gene, results from an A to G substitution at nucleotide position 530. The glutamic acid at codon 177 is replaced by glycine, an amino acid with similar properties. This amino acid position is conserved. In addition, this alteration is predicted to be deleterious by in silico analysis. Based on the available evidence, the clinical significance of this variant remains unclear.